The following is an entry in ClinVar:

ClinVar aggregate classification (germline): Pathogenic (1 of 4 stars; one submission).

Submission:

Labcorp Genetics (formerly Invitae), Labcorp
Classification: Pathogenic. Last evaluated: 2022-01-20. Review status: criteria provided, single submitter. Criteria: Invitae Variant Classification Sherloc (09022015). Collection method: clinical testing. Allele origin: germline.
Comment: For these reasons, this variant has been classified as Pathogenic. This variant has not been reported in the literature in individuals affected with CHM-related conditions. This variant is not present in population databases (gnomAD no frequency). This sequence change creates a premature translational stop signal (p.Glu346Argfs*72) in the CHM gene. It is expected to result in an absent or disrupted protein product. Loss-of-function variants in CHM are known to be pathogenic (PMID: 9067750, 23811034).

Literature cited by the submitters: PubMed 9067750; PubMed 23811034.

NM_000390.4(CHM):c.1035dup (p.Glu346fs)

Gene: CHM (CHM Rab escort protein; minus strand). Cytogenetic location: Xq21.2.
Variant type: Duplication.
Coding change: c.1035dup on transcript NM_000390.4 (MANE Select); coding-DNA position 1035, one base duplicated (A; older notation c.1035dupA).
Protein change: p.Glu346fs; shifts the reading frame from glutamic acid 346.
Molecular consequence: frameshift variant.
Genome position (GRCh38, 1-based): chrX:85,956,284, T duplicated on the plus strand (A on the coding strand, the reverse complement: CHM is on the minus strand). VCF-style (leftmost placement, unchanged base first): chrX-85956283-C-CT. GRCh37 (hg19) VCF-style: chrX-85211288-C-CT.
Other names: c.591dup, p.Glu198fs (NM_001320959.1, NM_001362517.1, NM_001362518.2 and 1 more transcripts); short protein forms E346fs, E198fs.
Identifiers: ClinVar variation 2072760 (VCV002072760.4), dbSNP rs2520252687, ClinGen allele CA2580102024.